The following is an entry in ClinVar:

ClinVar aggregate classification (germline): Likely benign. Review status: criteria provided, multiple submitters, no conflicts (2 of 4 stars). 2 submissions from 2 submitters: Likely benign (2). Last evaluated 2026-07-01.

Allele frequency attached by ClinVar (database versions not stated): TOPMed 0.00003; gnomAD 0.00004 and 0.00005; gnomAD exomes 0.00004 and 0.00007; ExAC 0.00009; ESP Exome Variant Server 0.00015; 1000 Genomes Project 30x 0.00016; 1000 Genomes Project 0.00020.
gnomAD v4.1: 64 of 1,614,204 alleles (0.004%); highest among the groups gnomAD compares: Middle Eastern, 0.016%; 1 homozygote.

Submissions (2):

CeGaT Center for Human Genetics Tuebingen
Classification: Likely benign. Last evaluated: 2026-07-01. Review status: criteria provided, single submitter. Criteria: CeGaT Center For Human Genetics Tuebingen Variant Classification Criteria Version 2. Collection method: clinical testing. Allele origin: germline. Affected: yes. Observed: 1 variant allele.
Comment: ZNF335: BP4, BP7

Labcorp Genetics (formerly Invitae), Labcorp
Classification: Likely benign. Last evaluated: 2025-07-05. Review status: criteria provided, single submitter. Criteria: Invitae Variant Classification Sherloc (09022015). Collection method: clinical testing. Allele origin: germline.

NM_022095.4(ZNF335):c.1449C>T (p.His483=)

Gene: ZNF335 (zinc finger protein 335; minus strand). Cytogenetic location: 20q13.12.
Variant type: single nucleotide variant.
Coding change: c.1449C>T on transcript NM_022095.4 (MANE Select); coding-DNA position 1449, C replaced by T.
Protein change: p.His483=; no amino-acid change (histidine 483 retained).
Molecular consequence: synonymous variant.
Genome position (GRCh38, 1-based): chr20:45,963,557, G>A on the plus strand (C>T on the coding strand, the complement: ZNF335 is on the minus strand). VCF-style: chr20-45963557-G-A. GRCh37 (hg19) VCF-style: chr20-44592196-G-A.
Identifiers: ClinVar variation 799458 (VCV000799458.9), dbSNP rs138471809, ClinGen allele CA9885726.